The following is an entry in ClinVar:

ClinVar aggregate classification (germline): Uncertain significance. Review status: criteria provided, multiple submitters, no conflicts (2 of 4 stars). 2 submissions from 2 submitters: Uncertain significance (2). Last evaluated 2024-12-19.

Conditions:
Hereditary factor VIII deficiency disease (HEMA). Also called: AUTOSOMAL HEMOPHILIA A; HEMOPHILIA, CLASSIC; Hemophilia A; Hemophilia A, congenital; HEM A; Factor 8 deficiency, congenital. Identifiers: Orphanet 98878, MedGen C0019069, MONDO:0010602, OMIM 306700.
Telangiectasia, hereditary hemorrhagic, type 2 (HHT2). Also called: ACVRL1-Related Hereditary Hemorrhagic Telangiectasia; Telangiectasia, hereditary hemorrhagic, type II. Identifiers: Orphanet 774, MedGen C1838163, MONDO:0010880, OMIM 600376. Disease mechanism: loss of function.

Submissions (2):

Genomic Medicine Center of Excellence, King Faisal Specialist Hospital and Research Centre
Classification: Uncertain significance for Hereditary factor VIII deficiency disease. Last evaluated: 2024-12-19. Review status: criteria provided, single submitter. Criteria: ACMG Guidelines, 2015. Collection method: clinical testing. Allele origin: germline.

Baylor Genetics
Classification: Uncertain significance for Telangiectasia, hereditary hemorrhagic, type 2. Last evaluated: 2018-05-08. Review status: criteria provided, single submitter. Criteria: ACMG Guidelines, 2015. Collection method: clinical testing. Allele origin: maternal. Affected: yes.
Comment: This variant was determined to be of uncertain significance according to ACMG Guidelines, 2015 [PMID:25741868].

NM_000020.3(ACVRL1):c.1247G>C (p.Gly416Ala)

Gene: ACVRL1 (activin A receptor like type 1; plus strand). Cytogenetic location: 12q13.13.
Variant type: single nucleotide variant.
Coding change: c.1247G>C on transcript NM_000020.3 (MANE Select); coding-DNA position 1247, G replaced by C.
Protein change: p.Gly416Ala; replaces glycine 416 with alanine.
Molecular consequence: missense variant.
Genome position (GRCh38, 1-based): chr12:51,918,985, G>C. VCF-style: chr12-51918985-G-C. GRCh37 (hg19) VCF-style: chr12-52312769-G-C.
Other names: c.1247G>C, p.Gly416Ala (NM_001077401.2); short protein forms G416A.
Identifiers: ClinVar variation 1032139 (VCV001032139.2), dbSNP rs1940905575, ClinGen allele CA384903601.